The following is an entry in ClinVar:

NM_002693.3(POLG):c.520G>A (p.Gly174Ser)

Genes: POLG (DNA polymerase gamma, catalytic subunit; minus strand), POLGARF (POLG alternative reading frame; minus strand). Cytogenetic location: 15q26.1.
Variant type: single nucleotide variant.
Coding change: c.520G>A on transcript NM_002693.3 (MANE Select); coding-DNA position 520, G replaced by A.
Protein change: p.Gly174Ser; replaces glycine 174 with serine.
Molecular consequence: missense variant.
Genome position (GRCh38, 1-based): chr15:89,333,235, C>T on the plus strand (G>A on the coding strand, the complement: POLG is on the minus strand). VCF-style: chr15-89333235-C-T. GRCh37 (hg19) VCF-style: chr15-89876466-C-T.
Other names: p.G174S:GGC>AGC; c.520G>A, p.Gly174Ser (NM_001126131.2); short protein forms G174S.
Identifiers: ClinVar variation 206622 (VCV000206622.3), dbSNP rs796052914, ClinGen allele CA316883.

ClinVar aggregate classification (germline): Uncertain significance. Review status: criteria provided, multiple submitters, no conflicts (2 of 4 stars). 2 submissions from 2 submitters: Uncertain significance (2). Last evaluated 2025-11-18.

Conditions:
POLG-related disorder. Also called: POLG-related condition; POLG-Related Disorders; POLG-Related Spectrum Disorders. Identifiers: MedGen C4763519.

Submissions (2):

PreventionGenetics, part of Exact Sciences
Classification: Uncertain significance for POLG-related condition. Last evaluated: 2025-11-18. Review status: criteria provided, single submitter. Criteria: ACMG Guidelines, 2015. Collection method: clinical testing. Allele origin: germline.
Comment: The POLG c.520G>A variant is predicted to result in the amino acid substitution p.Gly174Ser. To our knowledge, this variant has not been reported in the literature or in a large population database (gnomAD), indicating this variant is rare. At this time, the clinical significance of this variant is uncertain due to the absence of conclusive functional and genetic evidence.

GeneDx
Classification: Uncertain significance. Last evaluated: 2014-10-06. Review status: criteria provided, single submitter. Criteria: GeneDx Variant Classification (06012015). Collection method: clinical testing. Allele origin: germline. Affected: yes.
Comment: p.Gly174Ser (GGC>AGC): c.520 G>A in exon 2 of the POLG gene (NM_002693.2). The G174S variant has not been published as a mutation, nor has it been reported as a benign polymorphism to our knowledge. It was not observed in approximately 6,400 individuals of European and African American ancestry in the NHLBI Exome Sequencing Project, indicating it is not a common benign variant in these populations. The G174S variant is a non-conservative amino acid substitution, which is likely to impact secondary protein structure as these residues differ in polarity, charge, size and/or other properties. This substitution occurs at a position that is conserved across species. In silico analysis predicts this variant is probably damaging to the protein structure/function. However, missense mutations in nearby residues have not been reported. Therefore, based on the currently available information, it is unclear whether this variant is a pathogenic mutation or a rare benign variant. The variant is found in EPILEPSY panel(s).